The following is an entry in ClinVar:

ClinVar aggregate classification (germline): Uncertain significance. Review status: criteria provided, multiple submitters, no conflicts (2 of 4 stars). 2 submissions from 2 submitters: Uncertain significance (2). Last evaluated 2024-06-13.

Conditions:
Epileptic encephalopathy. Identifiers: MedGen C0543888, HP:0200134.

Allele frequency attached by ClinVar (database versions not stated): TOPMed 0.00002; ExAC 0.00003; gnomAD 0.00003; gnomAD exomes 0.00003 and 0.00005.
gnomAD v4.1: 73 of 1,592,368 alleles (0.0046%); highest among the groups gnomAD compares: Middle Eastern, 0.017%; no homozygotes.

Submissions (2):

Labcorp Genetics (formerly Invitae), Labcorp
Classification: Uncertain significance for Epileptic encephalopathy. Last evaluated: 2024-06-13. Review status: criteria provided, single submitter. Criteria: Invitae Variant Classification Sherloc (09022015). Collection method: clinical testing. Allele origin: germline.
Comment: This sequence change replaces proline, which is neutral and non-polar, with leucine, which is neutral and non-polar, at codon 332 of the FASN protein (p.Pro332Leu). This variant is present in population databases (rs765653931, gnomAD 0.01%). This variant has not been reported in the literature in individuals affected with FASN-related conditions. ClinVar contains an entry for this variant (Variation ID: 854928). An algorithm developed to predict the effect of missense changes on protein structure and function (PolyPhen-2) suggests that this variant is likely to be disruptive. In summary, the available evidence is currently insufficient to determine the role of this variant in disease. Therefore, it has been classified as a Variant of Uncertain Significance.

Ambry Genetics
Classification: Uncertain significance. Last evaluated: 2024-05-21. Review status: criteria provided, single submitter. Criteria: Ambry Variant Classification Scheme 2023. Collection method: clinical testing. Allele origin: germline.

NM_004104.5(FASN):c.995C>T (p.Pro332Leu)

Gene: FASN (fatty acid synthase; minus strand). Cytogenetic location: 17q25.3.
Variant type: single nucleotide variant.
Coding change: c.995C>T on transcript NM_004104.5 (MANE Select); coding-DNA position 995, C replaced by T.
Protein change: p.Pro332Leu; replaces proline 332 with leucine.
Molecular consequence: missense variant.
Genome position (GRCh38, 1-based): chr17:82,092,489, G>A on the plus strand (C>T on the coding strand, the complement: FASN is on the minus strand). VCF-style: chr17-82092489-G-A. GRCh37 (hg19) VCF-style: chr17-80050365-G-A.
Other names: short protein forms P332L.
Identifiers: ClinVar variation 854928 (VCV000854928.9), dbSNP rs765653931, ClinGen allele CA8853284.